The following is an entry in ClinVar:

NM_003072.5(SMARCA4):c.449G>A (p.Gly150Glu)

Gene: SMARCA4 (SWI/SNF related BAF chromatin remodeling complex subunit ATPase 4; plus strand). Cytogenetic location: 19p13.2.
Variant type: single nucleotide variant.
Coding change: c.449G>A on transcript NM_003072.5 (MANE Select); coding-DNA position 449, G replaced by A.
Protein change: p.Gly150Glu; replaces glycine 150 with glutamic acid.
Molecular consequence: missense variant. On other transcripts: non-coding transcript variant (1).
Genome position (GRCh38, 1-based): chr19:10,986,282, G>A. VCF-style: chr19-10986282-G-A. GRCh37 (hg19) VCF-style: chr19-11096958-G-A.
Other names: c.449G>A, p.Gly150Glu (NM_001128844.3, NM_001128845.2, NM_001128846.2 and 6 more transcripts); short protein forms G150E.
Identifiers: ClinVar variation 2813084 (VCV002813084.3), dbSNP rs2145774316, ClinGen allele CA404055984.

ClinVar aggregate classification (germline): Uncertain significance (1 of 4 stars; one submission).

Conditions:
Rhabdoid tumor predisposition syndrome 2 (RTPS2). Identifiers: Orphanet 231108, Orphanet 69077, MedGen C2750074, MONDO:0013224, OMIM 613325.

Submission:

Labcorp Genetics (formerly Invitae), Labcorp
Classification: Uncertain significance for Rhabdoid tumor predisposition syndrome 2. Last evaluated: 2022-11-09. Review status: criteria provided, single submitter. Criteria: Invitae Variant Classification Sherloc (09022015). Collection method: clinical testing. Allele origin: germline.
Comment: This variant has not been reported in the literature in individuals affected with SMARCA4-related conditions. Advanced modeling of protein sequence and biophysical properties (such as structural, functional, and spatial information, amino acid conservation, physicochemical variation, residue mobility, and thermodynamic stability) performed at Invitae indicates that this missense variant is not expected to disrupt SMARCA4 protein function. In summary, the available evidence is currently insufficient to determine the role of this variant in disease. Therefore, it has been classified as a Variant of Uncertain Significance. This variant is not present in population databases (gnomAD no frequency). This sequence change replaces glycine, which is neutral and non-polar, with glutamic acid, which is acidic and polar, at codon 150 of the SMARCA4 protein (p.Gly150Glu).